The following is an entry in ClinVar:

NM_015662.3(IFT172):c.3601G>A (p.Glu1201Lys)

Genes: IFT172 (intraflagellar transport 172; minus strand), LOC126806173 (BRD4-independent group 4 enhancer GRCh37_chr2:27676057-27677256; plus strand). Cytogenetic location: 2p23.3.
Variant type: single nucleotide variant.
Coding change: c.3601G>A on transcript NM_015662.3 (MANE Select); coding-DNA position 3601, G replaced by A.
Protein change: p.Glu1201Lys; replaces glutamic acid 1201 with lysine.
Molecular consequence: missense variant.
Genome position (GRCh38, 1-based): chr2:27,454,092, C>T on the plus strand (G>A on the coding strand, the complement: IFT172 is on the minus strand). VCF-style: chr2-27454092-C-T. GRCh37 (hg19) VCF-style: chr2-27676959-C-T.
Other names: c.3601G>A (NM_015662.1); short protein forms E1201K.
Identifiers: ClinVar variation 1058947 (VCV001058947.11), dbSNP rs747872724, ClinGen allele CA1579921.

ClinVar aggregate classification (germline): Uncertain significance. Review status: criteria provided, multiple submitters, no conflicts (2 of 4 stars). 5 submissions from 5 submitters: Uncertain significance (5). Last evaluated 2024-11-24.

Conditions:
Retinitis pigmentosa 71 (RP71). Identifiers: Orphanet 791, MedGen C4225342, MONDO:0014618, OMIM 616394.
Short-rib thoracic dysplasia 10 with or without polydactyly (SRTD10). Identifiers: Orphanet 474, MedGen C3810175, MONDO:0014284, OMIM 615630.
Retinal dystrophy. Also called: Inherited retinal dystrophy. Identifiers: Orphanet 71862, MedGen C0854723, MeSH D058499, MONDO:0019118, HP:0000556.
Inborn genetic diseases. Identifiers: MedGen C0950123, MeSH D030342.

Allele frequency attached by ClinVar (database versions not stated): gnomAD exomes 0.00002 and 0.00006; gnomAD 0.00003; TOPMed 0.00004; ExAC 0.00006.
gnomAD v4.1: 36 of 1,613,980 alleles (0.0022%); highest among the groups gnomAD compares: East Asian, 0.033%; no homozygotes.

Submissions (5):

Blueprint Genetics
Classification: Uncertain significance. Last evaluated: 2024-11-24. Review status: criteria provided, single submitter. Criteria: ACMG Guidelines, 2015. Collection method: clinical testing. Allele origin: germline.

Dept Of Ophthalmology, Nagoya University
Classification: Uncertain significance for Retinal dystrophy. Last evaluated: 2023-10-01. Review status: criteria provided, single submitter. Criteria: Submitter's publication. Collection method: research. Allele origin: germline. Affected: yes.

Labcorp Genetics (formerly Invitae), Labcorp
Classification: Uncertain significance for Retinitis pigmentosa 71; Short-rib thoracic dysplasia 10 with or without polydactyly. Last evaluated: 2023-08-10. Review status: criteria provided, single submitter. Criteria: Invitae Variant Classification Sherloc (09022015). Collection method: clinical testing. Allele origin: germline.
Comment: ClinVar contains an entry for this variant (Variation ID: 1058947). In summary, the available evidence is currently insufficient to determine the role of this variant in disease. Therefore, it has been classified as a Variant of Uncertain Significance. Advanced modeling of protein sequence and biophysical properties (such as structural, functional, and spatial information, amino acid conservation, physicochemical variation, residue mobility, and thermodynamic stability) performed at Invitae indicates that this missense variant is not expected to disrupt IFT172 protein function. This variant has not been reported in the literature in individuals affected with IFT172-related conditions. This variant is present in population databases (rs747872724, gnomAD 0.05%). This sequence change replaces glutamic acid, which is acidic and polar, with lysine, which is basic and polar, at codon 1201 of the IFT172 protein (p.Glu1201Lys).

Ambry Genetics
Classification: Uncertain significance for Inborn genetic diseases. Last evaluated: 2022-12-15. Review status: criteria provided, single submitter. Criteria: Ambry Variant Classification Scheme 2023. Collection method: clinical testing. Allele origin: germline.

GeneDx
Classification: Uncertain significance. Last evaluated: 2022-05-23. Review status: criteria provided, single submitter. Criteria: GeneDx Variant Classification Process June 2021. Collection method: clinical testing. Allele origin: germline. Affected: yes.
Comment: In silico analysis supports that this missense variant has a deleterious effect on protein structure/function; Has not been previously published as pathogenic or benign to our knowledge